The following is an entry in ClinVar:

NM_004612.4(TGFBR1):c.244A>G (p.Arg82Gly)

Gene: TGFBR1 (transforming growth factor beta receptor 1; plus strand). Cytogenetic location: 9q22.33.
Variant type: single nucleotide variant.
Coding change: c.244A>G on transcript NM_004612.4 (MANE Select); coding-DNA position 244, A replaced by G.
Protein change: p.Arg82Gly; replaces arginine 82 with glycine.
Molecular consequence: missense variant. On other transcripts: non-coding transcript variant (4), intron variant (3).
Genome position (GRCh38, 1-based): chr9:99,129,001, A>G. VCF-style: chr9-99129001-A-G. GRCh37 (hg19) VCF-style: chr9-101891283-A-G.
Other names: c.244A>G, p.Arg82Gly (NM_001306210.2, NM_001407416.1, NM_001407417.1 and 2 more transcripts); c.37A>G, p.Arg13Gly (NM_001407418.1, NM_001407419.1, NM_001407420.1 and 12 more transcripts); c.98-3508A>G (NM_001407436.1); c.98-8858A>G (NM_001407438.1); c.98-13535A>G (NM_001407437.1); short protein forms R13G, R82G.
Identifiers: ClinVar variation 3968087 (VCV003968087.1).

ClinVar aggregate classification (germline): Uncertain significance (1 of 4 stars; one submission).

Conditions:
Familial thoracic aortic aneurysm and aortic dissection (TAAD). Also called: Thoracic aortic aneurysms and dissections. Identifiers: Orphanet 91387, MedGen C4707243, MONDO:0019625.

gnomAD v4.1: 1 of 1,614,018 alleles (0.000062%); highest among the groups gnomAD compares: Non-Finnish European, 0.000085%; no homozygotes.

Submission:

Ambry Genetics
Classification: Uncertain significance for Familial thoracic aortic aneurysm and aortic dissection. Last evaluated: 2025-04-24. Review status: criteria provided, single submitter. Criteria: Ambry Variant Classification Scheme 2023. Collection method: clinical testing. Allele origin: germline.
Comment: The p.R82G variant (also known as c.244A>G), located in coding exon 2 of the TGFBR1 gene, results from an A to G substitution at nucleotide position 244. The arginine at codon 82 is replaced by glycine, an amino acid with dissimilar properties. This amino acid position is conserved. In addition, this alteration is predicted to be deleterious by in silico analysis. Based on the available evidence, the clinical significance of this variant remains unclear.